The following is an entry in ClinVar:

ClinVar aggregate classification (germline): Benign (3 of 4 stars; one submission).

Conditions:
Breast-ovarian cancer, familial, susceptibility to, 2 (BROVCA2). Also called: BRCA2 Hereditary Breast and Ovarian Cancer. Identifiers: Orphanet 145, MedGen C2675520, MONDO:0012933, OMIM 612555. Disease mechanism: loss of function.

Allele frequency attached by ClinVar (database versions not stated): gnomAD 0.04235 and 0.04593; 1000 Genomes Project 0.07867; 1000 Genomes Project 30x 0.07901; TOPMed 0.04774.
gnomAD v4.1: 6,983 of 152,150 alleles (4.6%); highest among the groups gnomAD compares: South Asian, 11%; 237 homozygotes.

Submission:

Evidence-based Network for the Interpretation of Germline Mutant Alleles (ENIGMA)
Classification: Benign for Breast-ovarian cancer, familial 2. Last evaluated: 2015-01-12. Review status: reviewed by expert panel. Criteria: ENIGMA BRCA1/2 Classification Criteria (2015). Collection method: curation. Allele origin: germline.
Comment: Class 1 not pathogenic based on frequency >1% in an outbred sampleset. Frequency 0.1049 (Asian), 0.02846 (African), 0.03694 (European), derived from 1000 genomes (2012-04-30).

NM_000059.4(BRCA2):c.7008-2344T>G

Gene: BRCA2 (BRCA2 DNA repair associated; plus strand). Cytogenetic location: 13q13.1.
Variant type: single nucleotide variant.
Coding change: c.7008-2344T>G on transcript NM_000059.4 (MANE Select); 2344 bases into the intron before coding-DNA position 7008, T replaced by G.
Molecular consequence: intron variant.
Genome position (GRCh38, 1-based): chr13:32,352,517, T>G. VCF-style: chr13-32352517-T-G. GRCh37 (hg19) VCF-style: chr13-32926654-T-G.
Other names: IVS 13-2344T>G.
Identifiers: ClinVar variation 209744 (VCV000209744.1), dbSNP rs11571699, ClinGen allele CA276712.